The following is an entry in ClinVar:

NM_001903.5(CTNNA1):c.1063-12C>T

Gene: CTNNA1 (catenin alpha 1; plus strand). Cytogenetic location: 5q31.2.
Variant type: single nucleotide variant.
Coding change: c.1063-12C>T on transcript NM_001903.5 (MANE Select); 12 bases into the intron before coding-DNA position 1063, C replaced by T.
Molecular consequence: intron variant.
Genome position (GRCh38, 1-based): chr5:138,886,200, C>T. VCF-style: chr5-138886200-C-T. GRCh37 (hg19) VCF-style: chr5-138221889-C-T.
Other names: c.1063-12C>T (NM_001323982.2, NM_001323984.2, NM_001290307.3 and 3 more transcripts); c.694-12C>T (NM_001290310.3); c.754-12C>T (NM_001290309.3); c.-48-12C>T (NM_001323996.1, NM_001323993.1, NM_001324005.1 and 18 more transcripts); c.-445-12C>T (NM_001324007.1, NM_001324009.1, NM_001324006.1 and 1 more transcripts); c.-320-12C>T (NM_001324013.1); c.-58+10603C>T (NM_001324012.1); c.-61+10603C>T (NM_001324010.1).
Identifiers: ClinVar variation 2764908 (VCV002764908.4), dbSNP rs1450414864, ClinGen allele CA563298815.
Genomic context (GRCh38, chr5:138,886,200, plus strand): 5'-CAAATGGCTATAGGCTATCATTAGGTTTCTTTGTAAATGAATAAAATGCTCATCTCTTTT[C>T]CTTTTATCCAGGCTGGACGTAAAGAAAGAAGTGATGCACTCAATTCTGCAATAGATAAAA-3'

ClinVar aggregate classification (germline): Likely benign. Review status: criteria provided, multiple submitters, no conflicts (2 of 4 stars). 2 submissions from 2 submitters: Likely benign (2). Last evaluated 2024-10-10.

Conditions:
Hereditary diffuse gastric adenocarcinoma (HDGC). Also called: DIFFUSE GASTRIC AND LOBULAR BREAST CANCER SYNDROME. Identifiers: Orphanet 26106, MedGen C1708349, MONDO:0007648, OMIM 137215.

Allele frequency attached by ClinVar (database versions not stated): gnomAD 0.00001.
gnomAD v4.1: 1 of 1,605,874 alleles (0.000062%); highest among the groups gnomAD compares: Non-Finnish European, 0.000085%; no homozygotes.

Submissions (2):

Myriad Genetics, Inc.
Classification: Likely benign for Hereditary diffuse gastric adenocarcinoma. Last evaluated: 2024-10-10. Review status: criteria provided, single submitter. Criteria: Myriad Autosomal Dominant, Autosomal Recessive and X-Linked Classification Criteria (2023). Collection method: clinical testing. Allele origin: unknown.
Comment: This variant is considered likely benign. This variant is intronic and is not expected to impact mRNA splicing.

Labcorp Genetics (formerly Invitae), Labcorp
Classification: Likely benign. Last evaluated: 2023-10-03. Review status: criteria provided, single submitter. Criteria: Invitae Variant Classification Sherloc (09022015). Collection method: clinical testing. Allele origin: germline.